The following is an entry in ClinVar:

ClinVar aggregate classification (germline): Uncertain significance (1 of 4 stars; one submission).

Submission:

Labcorp Genetics (formerly Invitae), Labcorp
Classification: Uncertain significance. Last evaluated: 2021-01-20. Review status: criteria provided, single submitter. Criteria: Invitae Variant Classification Sherloc (09022015). Collection method: clinical testing. Allele origin: germline.
Comment: In summary, the available evidence is currently insufficient to determine the role of this variant in disease. Therefore, it has been classified as a Variant of Uncertain Significance. Algorithms developed to predict the effect of sequence changes on RNA splicing suggest that this variant may create or strengthen a splice site, but this prediction has not been confirmed by published transcriptional studies. Algorithms developed to predict the effect of missense changes on protein structure and function output the following: SIFT: "Tolerated"; PolyPhen-2: "Not Available"; Align-GVGD: "Class C0". The leucine amino acid residue is found in multiple mammalian species, suggesting that this missense change does not adversely affect protein function. These predictions have not been confirmed by published functional studies and their clinical significance is uncertain. This variant has not been reported in the literature in individuals with CYP2R1-related conditions. This variant is not present in population databases (ExAC no frequency). This sequence change replaces phenylalanine with leucine at codon 23 of the CYP2R1 protein (p.Phe23Leu). The phenylalanine residue is moderately conserved and there is a small physicochemical difference between phenylalanine and leucine.

NM_024514.5(CYP2R1):c.69C>A (p.Phe23Leu)

Genes: CYP2R1 (cytochrome P450 family 2 subfamily R member 1; minus strand), PDE3B (phosphodiesterase 3B; plus strand). Cytogenetic location: 11p15.2.
Variant type: single nucleotide variant.
Coding change: c.69C>A on transcript NM_024514.5 (MANE Select); coding-DNA position 69, C replaced by A.
Protein change: p.Phe23Leu; replaces phenylalanine 23 with leucine.
Molecular consequence: missense variant.
Genome position (GRCh38, 1-based): chr11:14,892,137, G>T on the plus strand (C>A on the coding strand, the complement: CYP2R1 is on the minus strand). VCF-style: chr11-14892137-G-T. GRCh37 (hg19) VCF-style: chr11-14913683-G-T.
Other names: short protein forms F23L.
Identifiers: ClinVar variation 1414730 (VCV001414730.8), dbSNP rs2134122364, ClinGen allele CA379735138.